The following is an entry in ClinVar:

NM_017763.6(RNF43):c.1708G>A (p.Gly570Ser)

Gene: RNF43 (ring finger protein 43; minus strand). Cytogenetic location: 17q22.
Variant type: single nucleotide variant.
Coding change: c.1708G>A on transcript NM_017763.6 (MANE Select); coding-DNA position 1708, G replaced by A.
Protein change: p.Gly570Ser; replaces glycine 570 with serine.
Molecular consequence: missense variant.
Genome position (GRCh38, 1-based): chr17:58,358,068, C>T on the plus strand (G>A on the coding strand, the complement: RNF43 is on the minus strand). VCF-style: chr17-58358068-C-T. GRCh37 (hg19) VCF-style: chr17-56435429-C-T.
Other names: c.1708G>A, p.Gly570Ser (NM_001305544.3); c.1327G>A, p.Gly443Ser (NM_001305545.2); short protein forms G570S, G443S.
Identifiers: ClinVar variation 3711200 (VCV003711200.3).

ClinVar aggregate classification (germline): Uncertain significance. Review status: criteria provided, multiple submitters, no conflicts (2 of 4 stars). 3 submissions from 3 submitters: Uncertain significance (3). Last evaluated 2025-01-17.

Conditions:
Sessile serrated polyposis cancer syndrome (SSPCS). Identifiers: Orphanet 157798, MedGen C4310714, MONDO:0014919, OMIM 617108.

gnomAD v4.1: 1 of 1,595,556 alleles (0.000063%); highest among the groups gnomAD compares: South Asian, 0.0011%; no homozygotes.

Submissions (3):

Ambry Genetics
Classification: Uncertain significance. Last evaluated: 2025-01-17. Review status: criteria provided, single submitter. Criteria: Ambry Variant Classification Scheme 2023. Collection method: clinical testing. Allele origin: germline.
Comment: The p.G570S variant (also known as c.1708G>A), located in coding exon 8 of the RNF43 gene, results from a G to A substitution at nucleotide position 1708. The glycine at codon 570 is replaced by serine, an amino acid with similar properties. This amino acid position is conserved. In addition, this alteration is predicted to be tolerated by in silico analysis. Based on the available evidence, the clinical significance of this variant remains unclear.

Labcorp Genetics (formerly Invitae), Labcorp
Classification: Uncertain significance. Last evaluated: 2024-06-05. Review status: criteria provided, single submitter. Criteria: Invitae Variant Classification Sherloc (09022015). Collection method: clinical testing. Allele origin: germline.
Comment: This sequence change replaces glycine, which is neutral and non-polar, with serine, which is neutral and polar, at codon 570 of the RNF43 protein (p.Gly570Ser). This variant is not present in population databases (gnomAD no frequency). This variant has not been reported in the literature in individuals affected with RNF43-related conditions. Algorithms developed to predict the effect of missense changes on protein structure and function output the following: SIFT: "Not Available"; PolyPhen-2: "Benign"; Align-GVGD: "Not Available". The serine amino acid residue is found in multiple mammalian species, which suggests that this missense change does not adversely affect protein function. In summary, the available evidence is currently insufficient to determine the role of this variant in disease. Therefore, it has been classified as a Variant of Uncertain Significance.

Department of Pathology and Laboratory Medicine, Sinai Health System
Classification: Uncertain significance for Sessile serrated polyposis cancer syndrome. Last evaluated: 2021-07-30. Review status: criteria provided, single submitter. Criteria: ACMG Guidelines, 2015. Collection method: research. Allele origin: germline.